The following is an entry in ClinVar:

NM_017636.4(TRPM4):c.2781G>A (p.Met927Ile)

Gene: TRPM4 (transient receptor potential cation channel subfamily M member 4; plus strand). Cytogenetic location: 19q13.33.
Variant type: single nucleotide variant.
Coding change: c.2781G>A on transcript NM_017636.4 (MANE Select); coding-DNA position 2781, G replaced by A.
Protein change: p.Met927Ile; replaces methionine 927 with isoleucine.
Molecular consequence: missense variant.
Genome position (GRCh38, 1-based): chr19:49,200,613, G>A. VCF-style: chr19-49200613-G-A. GRCh37 (hg19) VCF-style: chr19-49703870-G-A.
Other names: c.2346G>A, p.Met782Ile (NM_001195227.2); c.2436G>A, p.Met812Ile (NM_001321281.2); c.1173G>A, p.Met391Ile (NM_001321282.2); c.2259G>A, p.Met753Ile (NM_001321283.2); c.1719G>A, p.Met573Ile (NM_001321285.2); short protein forms M782I, M812I, M927I, M753I, M391I, M573I.
Identifiers: ClinVar variation 2807745 (VCV002807745.3), dbSNP rs2514203197, ClinGen allele CA406811548.

ClinVar aggregate classification (germline): Uncertain significance (1 of 4 stars; one submission).

Conditions:
Progressive familial heart block type IB (PFHB1B). Identifiers: Orphanet 871, MedGen C1970298, MONDO:0011474, OMIM 604559.

Submission:

Labcorp Genetics (formerly Invitae), Labcorp
Classification: Uncertain significance for Progressive familial heart block type IB. Last evaluated: 2022-10-27. Review status: criteria provided, single submitter. Criteria: Invitae Variant Classification Sherloc (09022015). Collection method: clinical testing. Allele origin: germline.
Comment: In summary, the available evidence is currently insufficient to determine the role of this variant in disease. Therefore, it has been classified as a Variant of Uncertain Significance. Algorithms developed to predict the effect of missense changes on protein structure and function (SIFT, PolyPhen-2, Align-GVGD) all suggest that this variant is likely to be tolerated. This variant has not been reported in the literature in individuals affected with TRPM4-related conditions. This variant is not present in population databases (gnomAD no frequency). This sequence change replaces methionine, which is neutral and non-polar, with isoleucine, which is neutral and non-polar, at codon 927 of the TRPM4 protein (p.Met927Ile).